The following is an entry in ClinVar:

NM_001393769.1(MED12L):c.5603C>T (p.Thr1868Ile)

Gene: MED12L (mediator complex subunit 12L; plus strand). Cytogenetic location: 3q25.1.
Variant type: single nucleotide variant.
Coding change: c.5603C>T on transcript NM_001393769.1 (MANE Select); coding-DNA position 5603, C replaced by T.
Protein change: p.Thr1868Ile; replaces threonine 1868 with isoleucine.
Molecular consequence: missense variant.
Genome position (GRCh38, 1-based): chr3:151,390,130, C>T. VCF-style: chr3-151390130-C-T. GRCh37 (hg19) VCF-style: chr3-151107918-C-T.
Other names: p.Pro1868Leu; c.5498C>T, p.Thr1833Ile (NM_053002.6); short protein forms T1833I, T1868I.
Identifiers: ClinVar variation 3069166 (VCV003069166.2), dbSNP rs1169950103, ClinGen allele CA354978286.

ClinVar aggregate classification (germline): Uncertain significance (1 of 4 stars; one submission).

Conditions:
Nizon-Isidor syndrome. Identifiers: MedGen C5394350, MONDO:0030030, OMIM 618872.

Allele frequency attached by ClinVar (database versions not stated): gnomAD exomes below 0.00001.
gnomAD v4.1: 1 of 1,614,058 alleles (0.000062%); highest among the groups gnomAD compares: Non-Finnish European, 0.000085%; no homozygotes.

Submission:

Foundation for Research in Genetics and Endocrinology, FRIGE's Institute of Human Genetics
Classification: Uncertain significance for Nizon-Isidor syndrome. Last evaluated: 2024-04-12. Review status: criteria provided, single submitter. Criteria: ACMG Guidelines, 2015. Collection method: clinical testing. Allele origin: germline. Inheritance: Autosomal dominant inheritance. Affected: yes. Observed: 1 heterozygote.
Comment: A heterozygous missense variant in exon 37 of the MED12L gene that results in the amino acid substitution of Leucine for Proline at codon 1868 (p.Pro1868Leu) was detected. This variant has not been reported in the 1000 genomes databases and has a minor allele frequency of 0.0006%, 0.0004% and 0.0003% in the gnomAD (v3.1), gnomdAD (v2.1) and topmed databases. In summary, the variant meets our criteria to be classified as variant of uncetrain significance.